The following is an entry in ClinVar:

NM_012418.4(FSCN2):c.1085C>T (p.Ala362Val)

Gene: FSCN2 (fascin actin-bundling protein 2, retinal; plus strand). Cytogenetic location: 17q25.3.
Variant type: single nucleotide variant.
Coding change: c.1085C>T on transcript NM_012418.4 (MANE Select); coding-DNA position 1085, C replaced by T.
Protein change: p.Ala362Val; replaces alanine 362 with valine.
Molecular consequence: missense variant.
Genome position (GRCh38, 1-based): chr17:81,536,247, C>T. VCF-style: chr17-81536247-C-T. GRCh37 (hg19) VCF-style: chr17-79503273-C-T.
Other names: c.1085C>T, p.Ala362Val (NM_001077182.3); c.1085C>T (NM_001077182.2); short protein forms A362V.
Identifiers: ClinVar variation 1394648 (VCV001394648.7), dbSNP rs546307689, ClinGen allele CA8836952.

ClinVar aggregate classification (germline): Uncertain significance. Review status: criteria provided, multiple submitters, no conflicts (2 of 4 stars). 2 submissions from 2 submitters: Uncertain significance (2). Last evaluated 2025-09-05.

Allele frequency attached by ClinVar (database versions not stated): ExAC 0.00002; gnomAD 0.00002 and 0.00003; gnomAD exomes 0.00002 and 0.00003; TOPMed 0.00003; 1000 Genomes Project 30x 0.00016; 1000 Genomes Project 0.00020.

Submissions (2):

Labcorp Genetics (formerly Invitae), Labcorp
Classification: Uncertain significance. Last evaluated: 2025-09-05. Review status: criteria provided, single submitter. Criteria: Invitae Variant Classification Sherloc (09022015). Collection method: clinical testing. Allele origin: germline.
Comment: This sequence change replaces alanine, which is neutral and non-polar, with valine, which is neutral and non-polar, at codon 362 of the FSCN2 protein (p.Ala362Val). The frequency data for this variant in the population databases is considered unreliable, as metrics indicate poor data quality at this position in the gnomAD database. This variant has not been reported in the literature in individuals affected with FSCN2-related conditions. ClinVar contains an entry for this variant (Variation ID: 1394648). An algorithm developed to predict the effect of missense changes on protein structure and function (PolyPhen-2) suggests that this variant is likely to be tolerated. In summary, the available evidence is currently insufficient to determine the role of this variant in disease. Therefore, it has been classified as a Variant of Uncertain Significance.

Ambry Genetics
Classification: Uncertain significance. Last evaluated: 2024-04-17. Review status: criteria provided, single submitter. Criteria: Ambry Variant Classification Scheme 2023. Collection method: clinical testing. Allele origin: germline.